The following is an entry in ClinVar:

ClinVar aggregate classification (germline): Uncertain significance (1 of 4 stars; one submission).

Submission:

Labcorp Genetics (formerly Invitae), Labcorp
Classification: Uncertain significance. Last evaluated: 2024-08-12. Review status: criteria provided, single submitter. Criteria: Invitae Variant Classification Sherloc (09022015). Collection method: clinical testing. Allele origin: germline.
Comment: This sequence change replaces alanine, which is neutral and non-polar, with valine, which is neutral and non-polar, at codon 72 of the LEMD3 protein (p.Ala72Val). This variant is not present in population databases (gnomAD no frequency). This variant has not been reported in the literature in individuals affected with LEMD3-related conditions. An algorithm developed to predict the effect of missense changes on protein structure and function (PolyPhen-2) suggests that this variant is likely to be disruptive. In summary, the available evidence is currently insufficient to determine the role of this variant in disease. Therefore, it has been classified as a Variant of Uncertain Significance.

NM_014319.5(LEMD3):c.215C>T (p.Ala72Val)

Gene: LEMD3 (LEM domain containing 3; plus strand). Cytogenetic location: 12q14.3.
Variant type: single nucleotide variant.
Coding change: c.215C>T on transcript NM_014319.5 (MANE Select); coding-DNA position 215, C replaced by T.
Protein change: p.Ala72Val; replaces alanine 72 with valine.
Molecular consequence: missense variant.
Genome position (GRCh38, 1-based): chr12:65,169,811, C>T. VCF-style: chr12-65169811-C-T. GRCh37 (hg19) VCF-style: chr12-65563591-C-T.
Other names: c.215C>T, p.Ala72Val (NM_001167614.2); short protein forms A72V.
Identifiers: ClinVar variation 3681761 (VCV003681761.2).
Genomic context (GRCh38, chr12:65,169,811, plus strand): 5'-AACAGCACCGGTCAGGGGGCCGCGGCAACAAGACGCGGAACAGTAATAACAATAACACGG[C>T]AGCCGCCACGGTCGCAGCCGCGGGACCAGCGGCGGCGGCGGCCGCGGGGATGGGGGTCCG-3'
Protein context (NP_055134.2, residues 62-82): KTRNSNNNNT[Ala72Val]AATVAAAGPA